The following is an entry in ClinVar:

NM_001354483.2(CSGALNACT1):c.1361A>T (p.Tyr454Phe)

Gene: CSGALNACT1 (chondroitin sulfate N-acetylgalactosaminyltransferase 1; minus strand). Cytogenetic location: 8p21.3.
Variant type: single nucleotide variant.
Coding change: c.1361A>T on transcript NM_001354483.2 (MANE Select); coding-DNA position 1361, A replaced by T.
Protein change: p.Tyr454Phe; replaces tyrosine 454 with phenylalanine.
Molecular consequence: missense variant. On other transcripts: non-coding transcript variant (7).
Genome position (GRCh38, 1-based): chr8:19,406,018, T>A on the plus strand (A>T on the coding strand, the complement: CSGALNACT1 is on the minus strand). VCF-style: chr8-19406018-T-A. GRCh37 (hg19) VCF-style: chr8-19263529-T-A.
Other names: c.1361A>T, p.Tyr454Phe (NM_001130518.2, NM_001354475.2, NM_001354476.2 and 18 more transcripts); short protein forms Y454F.
Identifiers: ClinVar variation 1912591 (VCV001912591.5), dbSNP rs753145212, ClinGen allele CA4653786.
Genomic context (GRCh38, chr8:19,406,018, plus strand): 5'-TGGAAGAGTCCTCGCACAGGCGTCCGTACCACTATGAGGTTGCTGTGGAGATACTTGCGA[T>A]AAAGGTGCACATCCTCTCCGCCCCAGCCTTTGATGTCCAGATCAAACCCACCTGTCGGGA-3'
Protein context (NP_001341412.1, residues 444-464): KGWGGEDVHL[Tyr454Phe]RKYLHSNLIV

ClinVar aggregate classification (germline): Uncertain significance (1 of 4 stars; one submission).

Allele frequency attached by ClinVar (database versions not stated): gnomAD exomes 0.00001; TOPMed 0.00001; gnomAD 0.00002; ExAC 0.00004.
gnomAD v4.1: 31 of 1,614,096 alleles (0.0019%); highest among the groups gnomAD compares: African/African-American, 0.004%; no homozygotes.

Submission:

Labcorp Genetics (formerly Invitae), Labcorp
Classification: Uncertain significance. Last evaluated: 2022-03-04. Review status: criteria provided, single submitter. Criteria: Invitae Variant Classification Sherloc (09022015). Collection method: clinical testing. Allele origin: germline.
Comment: This sequence change replaces tyrosine, which is neutral and polar, with phenylalanine, which is neutral and non-polar, at codon 454 of the CSGALNACT1 protein (p.Tyr454Phe). This variant is present in population databases (rs753145212, gnomAD 0.004%). This variant has not been reported in the literature in individuals affected with CSGALNACT1-related conditions. Algorithms developed to predict the effect of missense changes on protein structure and function are either unavailable or do not agree on the potential impact of this missense change (SIFT: "Deleterious"; PolyPhen-2: "Probably Damaging"; Align-GVGD: "Class C15"). In summary, the available evidence is currently insufficient to determine the role of this variant in disease. Therefore, it has been classified as a Variant of Uncertain Significance.